The following is an entry in ClinVar:

NM_015259.6(ICOSLG):c.761C>T (p.Ala254Val)

Gene: ICOSLG (inducible T cell costimulator ligand; minus strand). Cytogenetic location: 21q22.3.
Variant type: single nucleotide variant.
Coding change: c.761C>T on transcript NM_015259.6 (MANE Select); coding-DNA position 761, C replaced by T.
Protein change: p.Ala254Val; replaces alanine 254 with valine.
Molecular consequence: missense variant.
Genome position (GRCh38, 1-based): chr21:44,231,381, G>A on the plus strand (C>T on the coding strand, the complement: ICOSLG is on the minus strand). VCF-style: chr21-44231381-G-A. GRCh37 (hg19) VCF-style: chr21-45651264-G-A.
Other names: c.761C>T, p.Ala254Val (NM_001283050.2, NM_001395918.1); c.410C>T, p.Ala137Val (NM_001283051.2); c.506C>T, p.Ala169Val (NM_001283052.2); c.680C>T, p.Ala227Val (NM_001365759.2); c.761C>T (NM_015259.4); short protein forms A169V, A227V, A254V, A137V.
Identifiers: ClinVar variation 1932902 (VCV001932902.6), dbSNP rs772294235, ClinGen allele CA321495783.

ClinVar aggregate classification (germline): Conflicting classifications of pathogenicity. Review status: criteria provided, conflicting classifications (1 of 4 stars). 2 submissions from 2 submitters: Uncertain significance (1); Likely benign (1). Last evaluated 2026-01-26.

Allele frequency attached by ClinVar (database versions not stated): ExAC 0.00002.

Submissions (2):

Labcorp Genetics (formerly Invitae), Labcorp
Classification: Uncertain significance. Last evaluated: 2026-01-26. Review status: criteria provided, single submitter. Criteria: Invitae Variant Classification Sherloc (09022015). Collection method: clinical testing. Allele origin: germline.
Comment: This sequence change replaces alanine, which is neutral and non-polar, with valine, which is neutral and non-polar, at codon 254 of the ICOSLG protein (p.Ala254Val). This variant is present in population databases (rs772294235, gnomAD 0.006%). This variant has not been reported in the literature in individuals affected with ICOSLG-related conditions. ClinVar contains an entry for this variant (Variation ID: 1932902). An algorithm developed to predict the effect of missense changes on protein structure and function outputs the following: PolyPhen-2: "Benign". The valine amino acid residue is found in multiple mammalian species, which suggests that this missense change does not adversely affect protein function. In summary, the available evidence is currently insufficient to determine the role of this variant in disease. Therefore, it has been classified as a Variant of Uncertain Significance.

Ambry Genetics
Classification: Likely benign. Last evaluated: 2024-01-23. Review status: criteria provided, single submitter. Criteria: Ambry Variant Classification Scheme 2023. Collection method: clinical testing. Allele origin: germline.